The following is an entry in ClinVar:

NM_198129.4(LAMA3):c.6473+1G>A

Gene: LAMA3 (laminin subunit alpha 3; plus strand). Cytogenetic location: 18q11.2.
Variant type: single nucleotide variant.
Coding change: c.6473+1G>A on transcript NM_198129.4 (MANE Select); the canonical splice donor site of the intron after coding-DNA position 6473, G replaced by A.
Molecular consequence: splice donor variant.
Genome position (GRCh38, 1-based): chr18:23,904,088, G>A. VCF-style: chr18-23904088-G-A. GRCh37 (hg19) VCF-style: chr18-21484052-G-A.
Other names: c.6305+1G>A (NM_001127717.4); c.1646+1G>A (NM_000227.6); c.1478+1G>A (NM_001127718.4).
Identifiers: ClinVar variation 5003938 (VCV005003938.1).

ClinVar aggregate classification (germline): Likely pathogenic (1 of 4 stars; one submission).

Conditions:
Junctional epidermolysis bullosa. Identifiers: Orphanet 305, MedGen C0079301, MONDO:0017612.

gnomAD v4.1: 2 of 1,613,368 alleles (0.00012%); highest among the groups gnomAD compares: South Asian, 0.0011%; no homozygotes.

Submission:

Myriad Genetics, Inc.
Classification: Likely pathogenic for Junctional epidermolysis bullosa. Last evaluated: 2025-09-08. Review status: criteria provided, single submitter. Criteria: Myriad Autosomal Dominant, Autosomal Recessive and X-Linked Classification Criteria (2023). Collection method: clinical testing. Allele origin: unknown.
Comment: NM_000227.3(LAMA3):c.1646+1G>A is a variant in a canonical splice site classified as likely pathogenic in the context of junctional epidermolysis bullosa, LAMA3-related. c.1646+1G>A has been observed in a case with relevant disease (PMID: 36287101). Relevant functional assessments of this variant are not available in the literature. c.1646+1G>A has not been observed in referenced population frequency databases. In summary, NM_000227.3(LAMA3):c.1646+1G>A is a variant in a canonical splice site in a gene where loss of function is a known mechanism of disease, is predicted to disrupt protein function, and has been observed more frequently in cases with the relevant disease than in healthy populations. Please note: this variant was assessed in the context of healthy population screening.

Literature cited by the submitters: PubMed 36287101.